The following is an entry in ClinVar:

NM_153766.3(KCNJ1):c.*5G>A

Gene: KCNJ1 (potassium inwardly rectifying channel subfamily J member 1; minus strand). Cytogenetic location: 11q24.3.
Variant type: single nucleotide variant.
Coding change: c.*5G>A on transcript NM_153766.3 (MANE Select); 5 bases downstream of the stop codon, G replaced by A.
Molecular consequence: 3 prime UTR variant.
Genome position (GRCh38, 1-based): chr11:128,839,120, C>T on the plus strand (G>A on the coding strand, the complement: KCNJ1 is on the minus strand). VCF-style: chr11-128839120-C-T. GRCh37 (hg19) VCF-style: chr11-128709015-C-T.
Other names: c.*5G>A (NM_000220.6, NM_153764.3, NM_153765.3 and 1 more transcripts).
Identifiers: ClinVar variation 64387 (VCV000064387.2), dbSNP rs387907437, ClinGen allele CA216031.

ClinVar aggregate classification (germline): Uncertain significance (0 of 4 stars; one submission).

Allele frequency attached by ClinVar (database versions not stated): TOPMed below 0.00001; gnomAD exomes below 0.00001.
gnomAD v4.1: 1 of 1,612,738 alleles (0.000062%); highest among the groups gnomAD compares: African/African-American, 0.0013%; no homozygotes.

Submission:

Martin Pollak Laboratory,  Beth Israel Deaconess Medical Center
Classification: Uncertain significance. Review status: no assertion criteria provided. Collection method: not provided. Allele origin: unknown.
Comment: Lower UCa2+ group
ClinVar note: Converted during submission from unknown to Uncertain significance.